The following is an entry in ClinVar:

NM_001287.6(CLCN7):c.1592C>T (p.Ser531Phe)

Gene: CLCN7 (chloride voltage-gated channel 7; minus strand). Cytogenetic location: 16p13.3.
Variant type: single nucleotide variant.
Coding change: c.1592C>T on transcript NM_001287.6 (MANE Select); coding-DNA position 1592, C replaced by T.
Protein change: p.Ser531Phe; replaces serine 531 with phenylalanine.
Molecular consequence: missense variant.
Genome position (GRCh38, 1-based): chr16:1,450,522, G>A on the plus strand (C>T on the coding strand, the complement: CLCN7 is on the minus strand). VCF-style: chr16-1450522-G-A. GRCh37 (hg19) VCF-style: chr16-1500523-G-A.
Other names: c.1520C>T, p.Ser507Phe (NM_001114331.3); short protein forms S507F, S531F.
Identifiers: ClinVar variation 1388822 (VCV001388822.6), dbSNP rs2142371172, ClinGen allele CA394187438.
Genomic context (GRCh38, chr16:1,450,522, plus strand): 5'-CAGGGCCCCACAGCCTCCCCTCCGGCCCCACTCACCGCCGCCCCCGTGAGGTAGGACAGG[G>A]AGATCCCAAAGAGCCGGCCCCAGGCAGCCCCGATGAGCAGGGACGGGATGAAGACCCCGG-3'
Protein context (NP_001278.1, residues 521-541): GAAWGRLFGI[Ser531Phe]LSYLTGAAIW

ClinVar aggregate classification (germline): Uncertain significance (1 of 4 stars; one submission).

Submission:

Labcorp Genetics (formerly Invitae), Labcorp
Classification: Uncertain significance. Last evaluated: 2021-08-11. Review status: criteria provided, single submitter. Criteria: Invitae Variant Classification Sherloc (09022015). Collection method: clinical testing. Allele origin: germline.
Comment: In summary, the available evidence is currently insufficient to determine the role of this variant in disease. Therefore, it has been classified as a Variant of Uncertain Significance. Algorithms developed to predict the effect of missense changes on protein structure and function (SIFT, PolyPhen-2, Align-GVGD) all suggest that this variant is likely to be tolerated. This variant has not been reported in the literature in individuals affected with CLCN7-related conditions. This variant is not present in population databases (ExAC no frequency). This sequence change replaces serine with phenylalanine at codon 531 of the CLCN7 protein (p.Ser531Phe). The serine residue is moderately conserved and there is a large physicochemical difference between serine and phenylalanine.